The following is an entry in ClinVar:

ClinVar aggregate classification (germline): Likely benign (1 of 4 stars; one submission).

Conditions:
Hereditary diffuse gastric adenocarcinoma (HDGC). Also called: DIFFUSE GASTRIC AND LOBULAR BREAST CANCER SYNDROME. Identifiers: Orphanet 26106, MedGen C1708349, MONDO:0007648, OMIM 137215.

Submission:

Myriad Genetics, Inc.
Classification: Likely benign for Hereditary diffuse gastric adenocarcinoma. Last evaluated: 2024-09-12. Review status: criteria provided, single submitter. Criteria: Myriad Autosomal Dominant, Autosomal Recessive and X-Linked Classification Criteria (2023). Collection method: clinical testing. Allele origin: unknown.
Comment: This variant is considered likely benign. This variant is intronic and is not expected to impact mRNA splicing.

NM_004360.5(CDH1):c.388-3del

Gene: CDH1 (cadherin 1; plus strand). Cytogenetic location: 16q22.1.
Variant type: Deletion.
Coding change: c.388-3del on transcript NM_004360.5 (MANE Select); 3 bases into the intron before coding-DNA position 388, one base deleted (T; older notation c.388-3delT).
Molecular consequence: intron variant.
Genome position (GRCh38, 1-based): chr16:68,808,421, T deleted; the last of 4 consecutive T bases (chr16:68,808,418-68,808,421); deleting any one gives the same sequence. VCF-style (leftmost placement, unchanged base first): chr16-68808417-CT-C. GRCh37 (hg19) VCF-style: chr16-68842320-CT-C.
Other names: c.-1228-3del (NM_001317185.2); c.-1432-3del (NM_001317186.2); c.388-3del (NM_001317184.2).
Identifiers: ClinVar variation 3378584 (VCV003378584.1).